The following is an entry in ClinVar:

NM_139017.7(IL31RA):c.2014G>C (p.Val672Leu)

Gene: IL31RA (interleukin 31 receptor A; plus strand). Cytogenetic location: 5q11.2.
Variant type: single nucleotide variant.
Coding change: c.2014G>C on transcript NM_139017.7 (MANE Select); coding-DNA position 2014, G replaced by C.
Protein change: p.Val672Leu; replaces valine 672 with leucine.
Molecular consequence: missense variant. On other transcripts: intron variant (2).
Genome position (GRCh38, 1-based): chr5:55,916,839, G>C. VCF-style: chr5-55916839-G-C. GRCh37 (hg19) VCF-style: chr5-55212667-G-C.
Other names: NC_000005.9:g.55212667G>C; c.1957G>C, p.Val653Leu (NM_001242636.2); c.1588G>C, p.Val530Leu (NM_001242639.2); c.1952+5G>C (NM_001242638.2); c.2009+5G>C (NM_001242637.2); short protein forms V530L, V653L, V672L.
Identifiers: ClinVar variation 3056541 (VCV003056541.3), dbSNP rs148721785, ClinGen allele CA3271023.

ClinVar aggregate classification (germline): Benign (0 of 4 stars; one submission).

Conditions:
IL31RA-related disorder. Also called: IL31RA-related condition.

Allele frequency attached by ClinVar (database versions not stated): ESP Exome Variant Server 0.00062; gnomAD exomes 0.00379; gnomAD 0.00731; ExAC 0.01232; 1000 Genomes Project 0.01278; TOPMed 0.01285; 1000 Genomes Project 30x 0.01437.

Submissions (7):

PreventionGenetics, part of Exact Sciences
Classification: Benign for IL31RA-related condition. Last evaluated: 2019-04-08. Review status: no assertion criteria provided. Collection method: clinical testing. Allele origin: germline.
Comment: This variant is classified as benign based on ACMG/AMP sequence variant interpretation guidelines (Richards et al. 2015 PMID: 25741868, with internal and published modifications).

Dr. Peter K. Rogan Lab, Western University
No classification provided (evidence only). Condition: Melanoma. Review status: no classification provided. Collection method: in vitro. Allele origin: not applicable. Functional consequence: retained intron. Not counted in ClinVar's aggregate classification.

Dr. Peter K. Rogan Lab, Western University
No classification provided (evidence only). Condition: Cervical cancer. Review status: no classification provided. Collection method: in vitro. Allele origin: not applicable. Functional consequence: retained intron. Not counted in ClinVar's aggregate classification.

Dr. Peter K. Rogan Lab, Western University
No classification provided (evidence only). Condition: Sarcoma. Review status: no classification provided. Collection method: in vitro. Allele origin: not applicable. Functional consequence: retained intron. Not counted in ClinVar's aggregate classification.

Dr. Peter K. Rogan Lab, Western University
No classification provided (evidence only). Condition: Malignant lymphoma, large B-cell, diffuse. Review status: no classification provided. Collection method: in vitro. Allele origin: not applicable. Functional consequence: retained intron. Not counted in ClinVar's aggregate classification.

Dr. Peter K. Rogan Lab, Western University
No classification provided (evidence only). Condition: Ovarian serous cystadenocarcinoma. Review status: no classification provided. Collection method: in vitro. Allele origin: not applicable. Functional consequence: retained intron. Not counted in ClinVar's aggregate classification.

Dr. Peter K. Rogan Lab, Western University
No classification provided (evidence only). Condition: Familial pancreatic carcinoma. Review status: no classification provided. Collection method: in vitro. Allele origin: not applicable. Functional consequence: retained intron. Not counted in ClinVar's aggregate classification.